The following is an entry in ClinVar:

NM_000369.5(TSHR):c.1612G>T (p.Ala538Ser)

Genes: TSHR (thyroid stimulating hormone receptor; plus strand), TSHR-AS1 (TSHR antisense RNA 1; minus strand). Cytogenetic location: 14q31.1.
Variant type: single nucleotide variant.
Coding change: c.1612G>T on transcript NM_000369.5 (MANE Select); coding-DNA position 1612, G replaced by T.
Protein change: p.Ala538Ser; replaces alanine 538 with serine.
Molecular consequence: missense variant.
Genome position (GRCh38, 1-based): chr14:81,143,670, G>T. VCF-style: chr14-81143670-G-T. GRCh37 (hg19) VCF-style: chr14-81610014-G-T.
Other names: short protein forms A538S.
Identifiers: ClinVar variation 2663670 (VCV002663670.1), dbSNP rs151264748, ClinGen allele CA7294499.

ClinVar aggregate classification (germline): Uncertain significance (1 of 4 stars; one submission).

Allele frequency attached by ClinVar (database versions not stated): ExAC 0.00002; ESP Exome Variant Server 0.00015; 1000 Genomes Project 30x 0.00016; 1000 Genomes Project 0.00020.
gnomAD v4.1: 31 of 1,614,150 alleles (0.0019%); highest among the groups gnomAD compares: African/African-American, 0.036%; no homozygotes.

Submission:

GeneDx
Classification: Uncertain significance. Last evaluated: 2023-04-26. Review status: criteria provided, single submitter. Criteria: GeneDx Variant Classification Process June 2021. Collection method: clinical testing. Allele origin: germline. Affected: yes.
Comment: In silico analysis supports that this missense variant has a deleterious effect on protein structure/function; Has not been previously published as pathogenic or benign to our knowledge